The following is an entry in ClinVar:

ClinVar aggregate classification (germline): Uncertain significance (1 of 4 stars; one submission).

Conditions:
Microcephaly-intellectual disability-sensorineural hearing loss-epilepsy-abnormal muscle tone syndrome (NEDHSB). Also called: NEURODEVELOPMENTAL DISORDER WITH HEARING LOSS, SEIZURES, AND BRAIN ABNORMALITIES. Identifiers: Orphanet 457351, MedGen C4225276, MONDO:0014698, OMIM 616577.

Allele frequency attached by ClinVar (database versions not stated): ExAC 0.00002; gnomAD 0.00007 and 0.00008; TOPMed 0.00011.
gnomAD v4.1: 23 of 1,610,470 alleles (0.0014%); highest among the groups gnomAD compares: African/African-American, 0.027%; no homozygotes.

Submission:

Labcorp Genetics (formerly Invitae), Labcorp
Classification: Uncertain significance for Microcephaly-intellectual disability-sensorineural hearing loss-epilepsy-abnormal muscle tone syndrome. Last evaluated: 2022-10-17. Review status: criteria provided, single submitter. Criteria: Invitae Variant Classification Sherloc (09022015). Collection method: clinical testing. Allele origin: germline.
Comment: This sequence change replaces lysine, which is basic and polar, with asparagine, which is neutral and polar, at codon 61 of the SPATA5 protein (p.Lys61Asn). This variant is present in population databases (rs753970347, gnomAD 0.03%). This variant has not been reported in the literature in individuals affected with SPATA5-related conditions. ClinVar contains an entry for this variant (Variation ID: 859184). Advanced modeling of protein sequence and biophysical properties (such as structural, functional, and spatial information, amino acid conservation, physicochemical variation, residue mobility, and thermodynamic stability) has been performed at Invitae for this missense variant, however the output from this modeling did not meet the statistical confidence thresholds required to predict the impact of this variant on SPATA5 protein function. In summary, the available evidence is currently insufficient to determine the role of this variant in disease. Therefore, it has been classified as a Variant of Uncertain Significance.

NM_145207.3(AFG2A):c.183A>C (p.Lys61Asn)

Gene: AFG2A (AFG2 AAA ATPase homolog A; plus strand). Cytogenetic location: 4q28.1.
Variant type: single nucleotide variant.
Coding change: c.183A>C on transcript NM_145207.3 (MANE Select); coding-DNA position 183, A replaced by C.
Protein change: p.Lys61Asn; replaces lysine 61 with asparagine.
Molecular consequence: missense variant.
Genome position (GRCh38, 1-based): chr4:122,927,653, A>C. VCF-style: chr4-122927653-A-C. GRCh37 (hg19) VCF-style: chr4-123848808-A-C.
Other names: c.180A>C, p.Lys60Asn (NM_001317799.2, NM_001345856.2); short protein forms K60N, K61N.
Identifiers: ClinVar variation 859184 (VCV000859184.4), dbSNP rs753970347, ClinGen allele CA3070156.